The following is an entry in ClinVar:

ClinVar aggregate classification (germline): Uncertain significance (1 of 4 stars; one submission).

Submission:

GeneDx
Classification: Uncertain significance. Last evaluated: 2022-10-31. Review status: criteria provided, single submitter. Criteria: GeneDx Variant Classification Process June 2021. Collection method: clinical testing. Allele origin: germline. Affected: yes.
Comment: Not observed at significant frequency in large population cohorts (gnomAD); In silico analysis supports that this missense variant has a deleterious effect on protein structure/function; Has not been previously published as pathogenic or benign to our knowledge

NM_000552.5(VWF):c.6703T>G (p.Cys2235Gly)

Gene: VWF (von Willebrand factor; minus strand). Cytogenetic location: 12p13.31.
Variant type: single nucleotide variant.
Coding change: c.6703T>G on transcript NM_000552.5 (MANE Select); coding-DNA position 6703, T replaced by G.
Protein change: p.Cys2235Gly; replaces cysteine 2235 with glycine.
Molecular consequence: missense variant.
Genome position (GRCh38, 1-based): chr12:5,991,914, A>C on the plus strand (T>G on the coding strand, the complement: VWF is on the minus strand). VCF-style: chr12-5991914-A-C. GRCh37 (hg19) VCF-style: chr12-6101080-A-C.
Other names: short protein forms C2235G.
Identifiers: ClinVar variation 2501906 (VCV002501906.1), dbSNP rs2497448736, ClinGen allele CA383490053.